The following is an entry in ClinVar:

ClinVar aggregate classification (germline): Likely pathogenic (1 of 4 stars; one submission).

Submission:

GeneDx
Classification: Likely pathogenic. Last evaluated: 2021-05-19. Review status: criteria provided, single submitter. Criteria: GeneDx Variant Classification Process June 2021. Collection method: clinical testing. Allele origin: germline. Affected: yes.
Comment: Not observed in large population cohorts (Lek et al., 2016); In silico analysis supports that this missense variant has a deleterious effect on protein structure/function; In-silico analysis, which includes splice predictors and evolutionary conservation, is inconclusive as to whether the variant alters gene splicing. In the absence of RNA/functional studies, the actual effect of this sequence change is unknown.; Has not been previously published as pathogenic or benign to our knowledge

NM_004595.5(SMS):c.1045C>A (p.Pro349Thr)

Gene: SMS (spermine synthase; plus strand). Cytogenetic location: Xp22.11.
Variant type: single nucleotide variant.
Coding change: c.1045C>A on transcript NM_004595.5 (MANE Select); coding-DNA position 1045, C replaced by A.
Protein change: p.Pro349Thr; replaces proline 349 with threonine.
Molecular consequence: missense variant.
Genome position (GRCh38, 1-based): chrX:21,992,696, C>A. VCF-style: chrX-21992696-C-A. GRCh37 (hg19) VCF-style: chrX-22010814-C-A.
Other names: c.886C>A, p.Pro296Thr (NM_001258423.2); short protein forms P296T, P349T.
Identifiers: ClinVar variation 1191854 (VCV001191854.2), dbSNP rs2146960379, ClinGen allele CA412571943.